The following is an entry in ClinVar:

ClinVar aggregate classification (germline): Uncertain significance (1 of 4 stars; one submission).

Conditions:
Hereditary nonpolyposis colorectal neoplasms. Identifiers: MedGen C0009405, MeSH D003123.

Submission:

Labcorp Genetics (formerly Invitae), Labcorp
Classification: Uncertain significance for Hereditary nonpolyposis colorectal neoplasms. Last evaluated: 2025-07-30. Review status: criteria provided, single submitter. Criteria: Invitae Variant Classification Sherloc (09022015). Collection method: clinical testing. Allele origin: germline.
Comment: This sequence change replaces valine, which is neutral and non-polar, with glycine, which is neutral and non-polar, at codon 415 of the PMS2 protein (p.Val415Gly). This variant is not present in population databases (gnomAD no frequency). This variant has not been reported in the literature in individuals affected with PMS2-related conditions. ClinVar contains an entry for this variant (Variation ID: 3707307). Invitae Evidence Modeling incorporating data from in vitro experimental studies (internal data) indicates that this missense variant is not expected to disrupt PMS2 function with a negative predictive value of 95%. In summary, the available evidence is currently insufficient to determine the role of this variant in disease. Therefore, it has been classified as a Variant of Uncertain Significance.

NM_000535.7(PMS2):c.1244T>G (p.Val415Gly)

Gene: PMS2 (PMS1 homolog 2, mismatch repair system component; minus strand). Cytogenetic location: 7p22.1.
Variant type: single nucleotide variant.
Coding change: c.1244T>G on transcript NM_000535.7 (MANE Select); coding-DNA position 1244, T replaced by G.
Protein change: p.Val415Gly; replaces valine 415 with glycine.
Molecular consequence: missense variant. On other transcripts: non-coding transcript variant (1), intron variant (1).
Genome position (GRCh38, 1-based): chr7:5,987,521, A>C on the plus strand (T>G on the coding strand, the complement: PMS2 is on the minus strand). VCF-style: chr7-5987521-A-C. GRCh37 (hg19) VCF-style: chr7-6027152-A-C.
Other names: c.926T>G, p.Val309Gly (NM_001406903.1, NM_001406883.1, NM_001322007.2 and 2 more transcripts); c.731T>G, p.Val244Gly (NM_001406904.1, NM_001406905.1); c.683T>G, p.Val228Gly (NM_001406906.1, NM_001406907.1, NM_001322010.2); c.839T>G, p.Val280Gly (NM_001406908.1, NM_001406910.1, NM_001406887.1 and 16 more transcripts); c.671T>G, p.Val224Gly (NM_001406909.1, NM_001322013.2); c.473T>G, p.Val158Gly (NM_001406911.1); c.804-4530T>G (NM_001406912.1); c.920T>G, p.Val307Gly (NM_001406884.1); and 13 more; short protein forms V257G, V260G, V303G, V309G, V312G, V158G, V244G, V477G.
Identifiers: ClinVar variation 3707307 (VCV003707307.2).